The following is an entry in ClinVar:

ClinVar aggregate classification (germline): Uncertain significance (1 of 4 stars; one submission).

Submission:

GeneDx
Classification: Uncertain significance. Last evaluated: 2025-06-17. Review status: criteria provided, single submitter. Criteria: GeneDx Variant Classification Process June 2021. Collection method: clinical testing. Allele origin: germline. Affected: yes.
Comment: Not observed at significant frequency in large population cohorts (gnomAD); In silico analysis supports that this missense variant has a deleterious effect on protein structure/function; Has not been previously published as pathogenic or benign to our knowledge

NM_000836.4(GRIN2D):c.2020A>C (p.Thr674Pro)

Gene: GRIN2D (glutamate ionotropic receptor NMDA type subunit 2D; plus strand). Cytogenetic location: 19q13.33.
Variant type: single nucleotide variant.
Coding change: c.2020A>C on transcript NM_000836.4 (MANE Select); coding-DNA position 2020, A replaced by C.
Protein change: p.Thr674Pro; replaces threonine 674 with proline.
Molecular consequence: missense variant.
Genome position (GRCh38, 1-based): chr19:48,419,743, A>C. VCF-style: chr19-48419743-A-C. GRCh37 (hg19) VCF-style: chr19-48923000-A-C.
Other names: short protein forms T674P.
Identifiers: ClinVar variation 4538696 (VCV004538696.1).